The following is an entry in ClinVar:

ClinVar aggregate classification (germline): Likely pathogenic. Review status: criteria provided, multiple submitters, no conflicts (2 of 4 stars). 2 submissions from 2 submitters: Likely pathogenic (2). Last evaluated 2026-03-06.

Conditions:
Congenital factor VII deficiency. Identifiers: Orphanet 327, MedGen C0272320, MONDO:0009211, OMIM 227500.

gnomAD v4.1: 1 of 1,612,714 alleles (0.000062%); highest among the groups gnomAD compares: African/African-American, 0.0013%; no homozygotes.

Submissions (2):

GeneDx
Classification: Likely pathogenic. Last evaluated: 2026-03-06. Review status: criteria provided, single submitter. Criteria: GeneDx Variant Classification Process June 2021. Collection method: clinical testing. Allele origin: germline.
Comment: Nonsense variant predicted to result in protein truncation, as the last 43 amino acid(s) are lost, and other loss-of-function variants have been reported downstream in HGMD; Not observed at significant frequency in large population cohorts (gnomAD); Also known as Trp364Stop; This variant is associated with the following publications: (PMID: 37647632, 11313743)

ISTH-SSC Genomics in Thrombosis and Hemostasis, KU Leuven, Center for Molecular and Vascular Biology
Classification: Likely pathogenic for Congenital factor VII deficiency. Review status: criteria provided, single submitter. Criteria: ACMG Guidelines, 2015. Collection method: clinical testing. Allele origin: germline. Affected: yes. Observed: 1 compound heterozygote.
Comment: Submitted to GoldVariant by Kathleen Freson, Center for Molecular and Vascular Biology, Leuven, Belgium

NM_019616.4(F7):c.1206G>A (p.Trp402Ter)

Gene: F7 (coagulation factor VII; plus strand). Cytogenetic location: 13q34.
Variant type: single nucleotide variant.
Coding change: c.1206G>A on transcript NM_019616.4 (MANE Select); coding-DNA position 1206, G replaced by A.
Protein change: p.Trp402Ter; replaces tryptophan 402 with a stop codon.
Molecular consequence: nonsense. On other transcripts: non-coding transcript variant (1).
Genome position (GRCh38, 1-based): chr13:113,118,879, G>A. VCF-style: chr13-113118879-G-A. GRCh37 (hg19) VCF-style: chr13-113773193-G-A.
Other names: c.1272G>A, p.Trp424Ter (NM_000131.5); c.1020G>A, p.Trp340Ter (NM_001267554.2); short protein forms W340*, W402*, W424*.
Identifiers: ClinVar variation 1703834 (VCV001703834.2), dbSNP rs2503057230, ClinGen allele CA388786983.
Genomic context (GRCh38, chr13:113,118,879, plus strand): 5'-TGGAGGCCCACATGCCACCCACTACCGGGGCACGTGGTACCTGACGGGCATCGTCAGCTG[G>A]GGCCAGGGCTGCGCAACCGTGGGCCACTTTGGGGTGTACACCAGGGTCTCCCAGTACATC-3'